The following is an entry in ClinVar:

ClinVar aggregate classification (germline): Uncertain significance. Review status: criteria provided, multiple submitters, no conflicts (2 of 4 stars). 3 submissions from 3 submitters: Uncertain significance (3). Last evaluated 2025-09-02.

Conditions:
Familial thoracic aortic aneurysm and aortic dissection (TAAD). Also called: Thoracic aortic aneurysms and dissections. Identifiers: Orphanet 91387, MedGen C4707243, MONDO:0019625.
Loeys-Dietz syndrome 2 (LDS2). Also called: AORTIC ANEURYSM, FAMILIAL THORACIC 3; MARFAN SYNDROME, TYPE II; Marfan syndrome, type 2 (formerly); TGFBR2-Related Loeys-Dietz Syndrome; Marfan Syndrome type 2; Marfan like connective tissue disorder. Identifiers: Orphanet 284973, Orphanet 558, MedGen C2674574, MONDO:0012427, OMIM 610168.

Allele frequency attached by ClinVar (database versions not stated): ExAC 0.00001; gnomAD exomes 0.00001.

Submissions (3):

Labcorp Genetics (formerly Invitae), Labcorp
Classification: Uncertain significance for Familial thoracic aortic aneurysm and aortic dissection. Last evaluated: 2025-09-02. Review status: criteria provided, single submitter. Criteria: Invitae Variant Classification Sherloc (09022015). Collection method: clinical testing. Allele origin: germline.
Comment: This sequence change replaces glycine, which is neutral and non-polar, with serine, which is neutral and polar, at codon 43 of the TGFBR2 protein (p.Gly43Ser). This variant is present in population databases (rs749239632, gnomAD 0.004%). This variant has not been reported in the literature in individuals affected with TGFBR2-related conditions. ClinVar contains an entry for this variant (Variation ID: 2157239). Invitae Evidence Modeling of protein sequence and biophysical properties (such as structural, functional, and spatial information, amino acid conservation, physicochemical variation, residue mobility, and thermodynamic stability) indicates that this missense variant is not expected to disrupt TGFBR2 protein function with a negative predictive value of 95%. In summary, the available evidence is currently insufficient to determine the role of this variant in disease. Therefore, it has been classified as a Variant of Uncertain Significance.

All of Us Research Program, National Institutes of Health
Classification: Uncertain significance for Loeys-Dietz syndrome 2. Last evaluated: 2023-06-28. Review status: criteria provided, single submitter. Criteria: ACMG Guidelines, 2015. Collection method: clinical testing. Allele origin: germline. Inheritance: Autosomal dominant inheritance. Observed: 1 variant allele, 1 heterozygote.
Comment: This study involves interpretation of variants in research participants for the purpose of population health screening. Participant phenotype was not available at the time of variant classification. Additional details can be found in publication PMID: 35346344, PMCID: PMC8962531

Ambry Genetics
Classification: Uncertain significance for Familial thoracic aortic aneurysm and aortic dissection. Last evaluated: 2022-11-17. Review status: criteria provided, single submitter. Criteria: Ambry Variant Classification Scheme 2023. Collection method: clinical testing. Allele origin: germline.
Comment: The p.G43S variant (also known as c.127G>A), located in coding exon 2 of the TGFBR2 gene, results from a G to A substitution at nucleotide position 127. The glycine at codon 43 is replaced by serine, an amino acid with similar properties. This amino acid position is conserved. In addition, this alteration is predicted to be tolerated by in silico analysis. Since supporting evidence is limited at this time, the clinical significance of this alteration remains unclear.

NM_003242.6(TGFBR2):c.127G>A (p.Gly43Ser)

Gene: TGFBR2 (transforming growth factor beta receptor 2; plus strand). Cytogenetic location: 3p24.1.
Variant type: single nucleotide variant.
Coding change: c.127G>A on transcript NM_003242.6 (MANE Select); coding-DNA position 127, G replaced by A.
Protein change: p.Gly43Ser; replaces glycine 43 with serine.
Molecular consequence: missense variant.
Genome position (GRCh38, 1-based): chr3:30,644,779, G>A. VCF-style: chr3-30644779-G-A. GRCh37 (hg19) VCF-style: chr3-30686271-G-A.
Other names: c.127G>A (NM_003242.5); c.202G>A, p.Gly68Ser (NM_001024847.3, NM_001407126.1, NM_001407139.1); c.127G>A, p.Gly43Ser (NM_001407127.1, NM_001407130.1); c.154G>A, p.Gly52Ser (NM_001407128.1); c.22G>A, p.Gly8Ser (NM_001407129.1, NM_001407132.1, NM_001407133.1 and 3 more transcripts); short protein forms G68S, G43S, G52S, G8S.
Identifiers: ClinVar variation 2157239 (VCV002157239.7), dbSNP rs749239632, ClinGen allele CA046230.